The following is an entry in ClinVar:

NM_001365951.3(KIF1B):c.4637C>G (p.Ser1546Cys)

Gene: KIF1B (kinesin family member 1B; plus strand). Cytogenetic location: 1p36.22.
Variant type: single nucleotide variant.
Coding change: c.4637C>G on transcript NM_001365951.3 (MANE Select); coding-DNA position 4637, C replaced by G.
Protein change: p.Ser1546Cys; replaces serine 1546 with cysteine.
Molecular consequence: missense variant.
Genome position (GRCh38, 1-based): chr1:10,365,533, C>G. VCF-style: chr1-10365533-C-G. GRCh37 (hg19) VCF-style: chr1-10425591-C-G.
Other names: c.4637C>G, p.Ser1546Cys (NM_001365952.1); c.4499C>G, p.Ser1500Cys (NM_015074.3); short protein forms S1546C, S1500C.
Identifiers: ClinVar variation 4043077 (VCV004043077.1).

ClinVar aggregate classification (germline): Uncertain significance (1 of 4 stars; one submission).

Submission:

Ambry Genetics
Classification: Uncertain significance. Last evaluated: 2025-03-22. Review status: criteria provided, single submitter. Criteria: Ambry Variant Classification Scheme 2023. Collection method: clinical testing. Allele origin: germline.
Comment: The p.S1500C variant (also known as c.4499C>G), located in coding exon 40 of the KIF1B gene, results from a C to G substitution at nucleotide position 4499. The serine at codon 1500 is replaced by cysteine, an amino acid with dissimilar properties. This amino acid position is conserved. In addition, the in silico prediction for this alteration is inconclusive. Based on the available evidence, the clinical significance of this variant remains unclear.